The following is an entry in ClinVar:

NM_001365536.1(SCN9A):c.1602+1_1602+2insTGTCGAAGGGCATAGGCGAGCACATGAAAAGAGGTTGTCTACCCCCAATCAGGAC

Genes: SCN9A (sodium voltage-gated channel alpha subunit 9; minus strand), SCN1A-AS1 (SCN1A and SCN9A antisense RNA 1; plus strand). Cytogenetic location: 2q24.3.
Variant type: Insertion.
Coding change: c.1602+1_1602+2insTGTCGAAGGGCATAGGCGAGCACATGAAAAGAGGTTGTCTACCCCCAATCAGGAC on transcript NM_001365536.1 (MANE Select); the canonical splice donor site of the intron after coding-DNA position 1602, TGTCGAAGGGCATAGGCGAGCACATGAAAAGAGGTTGTCTACCCCCAATCAGGAC inserted.
Molecular consequence: splice donor variant.
Genome position: GRCh38: chr2:166,286,387-166,286,388. GRCh37 (hg19): chr2:167,142,897-167,142,898.
Other names: c.1602+1_1602+2insTGTCGAAGGGCATAGGCGAGCACATGAAAAGAGGTTGTCTACCCCCAATCAGGAC (NM_002977.4).
Identifiers: ClinVar variation 2937698 (VCV002937698.3), dbSNP rs2468039380, ClinGen allele CA2740095857.

ClinVar aggregate classification (germline): Likely pathogenic (1 of 4 stars; one submission).

Conditions:
Neuropathy, hereditary sensory and autonomic, type 2A (HSAN2A). Also called: ACROOSTEOLYSIS, GIACCAI TYPE; ACROOSTEOLYSIS, NEUROGENIC; MORVAN DISEASE; NEUROPATHY, CONGENITAL SENSORY; NEUROPATHY, HEREDITARY SENSORY RADICULAR, AUTOSOMAL RECESSIVE; NEUROPATHY, HEREDITARY SENSORY, TYPE IIA. Identifiers: Orphanet 970, MedGen C2752089, MONDO:0024309, OMIM 201300.
Generalized epilepsy with febrile seizures plus, type 7 (GEFSP7). Also called: GEFS+, TYPE 7. Identifiers: Orphanet 36387, MedGen C2751778, MONDO:0013470, OMIM 613863.

Submission:

Labcorp Genetics (formerly Invitae), Labcorp
Classification: Likely pathogenic for Neuropathy, hereditary sensory and autonomic, type 2A; Generalized epilepsy with febrile seizures plus, type 7. Last evaluated: 2023-09-10. Review status: criteria provided, single submitter. Criteria: Invitae Variant Classification Sherloc (09022015). Collection method: clinical testing. Allele origin: germline.
Comment: This variant has not been reported in the literature in individuals affected with SCN9A-related conditions. This variant is not present in population databases (gnomAD no frequency). This sequence change affects a splice site in intron 11 of the SCN9A gene. It is expected to disrupt RNA splicing. Variants that disrupt the donor or acceptor splice site typically lead to a loss of protein function (PMID: 16199547), and loss-of-function variants in SCN9A are known to be pathogenic (PMID: 17470132, 19304393). Experimental studies and prediction algorithms are not available or were not evaluated, and the effect of this variant on mRNA splicing is currently unknown. In summary, the currently available evidence indicates that the variant is pathogenic, but additional data are needed to prove that conclusively. Therefore, this variant has been classified as Likely Pathogenic.

Literature cited by the submitters: PubMed 16199547; PubMed 17470132; PubMed 19304393.